The following is an entry in ClinVar:

ClinVar aggregate classification (germline): Conflicting classifications of pathogenicity. Review status: criteria provided, conflicting classifications (1 of 4 stars). 2 submissions from 2 submitters: Uncertain significance (1); Benign (1). Last evaluated 2026-09-10.

Conditions:
Rubinstein-Taybi syndrome due to EP300 haploinsufficiency. Also called: RUBINSTEIN-TAYBI SYNDROME 2; EP300-Related Rubinstein-Taybi Syndrome. Identifiers: Orphanet 353284, Orphanet 783, MedGen C3150941, MONDO:0013364, OMIM 613684.
EP300-related disorder. Also called: EP300-related disorders; EP300-related condition.

Allele frequency attached by ClinVar (database versions not stated): gnomAD 0.00001 and 0.00002; gnomAD exomes 0.00001; ExAC 0.00002; TOPMed 0.00002; ESP Exome Variant Server 0.00008.
gnomAD v4.1: 22 of 1,614,042 alleles (0.0014%); highest among the groups gnomAD compares: East Asian, 0.0022%; no homozygotes.

Submissions (2):

PreventionGenetics, part of Exact Sciences
Classification: Uncertain significance for EP300-related condition. Last evaluated: 2026-09-10. Review status: criteria provided, single submitter. Criteria: ACMG Guidelines, 2015. Collection method: clinical testing. Allele origin: germline.
Comment: The EP300 c.206G>A variant is predicted to result in the amino acid substitution p.Gly69Asp. To our knowledge, this variant has not been reported in the literature. This variant is reported in 0.0062% of alleles in individuals of African descent in gnomAD. At this time, the clinical significance of this variant is uncertain due to the absence of conclusive functional and genetic evidence.

Labcorp Genetics (formerly Invitae), Labcorp
Classification: Benign for Rubinstein-Taybi syndrome due to EP300 haploinsufficiency. Last evaluated: 2023-07-07. Review status: criteria provided, single submitter. Criteria: Invitae Variant Classification Sherloc (09022015). Collection method: clinical testing. Allele origin: germline.

NM_001429.4(EP300):c.206G>A (p.Gly69Asp)

Gene: EP300 (EP300 lysine acetyltransferase; plus strand). Cytogenetic location: 22q13.2.
Variant type: single nucleotide variant.
Coding change: c.206G>A on transcript NM_001429.4 (MANE Select); coding-DNA position 206, G replaced by A.
Protein change: p.Gly69Asp; replaces glycine 69 with aspartic acid.
Molecular consequence: missense variant.
Genome position (GRCh38, 1-based): chr22:41,117,298, G>A. VCF-style: chr22-41117298-G-A. GRCh37 (hg19) VCF-style: chr22-41513302-G-A.
Other names: c.206G>A, p.Gly69Asp (NM_001362843.2); c.206G>A (NM_001429.3); short protein forms G69D.
Identifiers: ClinVar variation 1399213 (VCV001399213.9), dbSNP rs370355846, ClinGen allele CA10252207.